The following is an entry in ClinVar:

ClinVar aggregate classification (germline): Uncertain significance. Review status: criteria provided, multiple submitters, no conflicts (2 of 4 stars). 2 submissions from 2 submitters: Uncertain significance (2). Last evaluated 2025-04-24.

Allele frequency attached by ClinVar (database versions not stated): gnomAD 0.00001; TOPMed 0.00002; ESP Exome Variant Server 0.00008; gnomAD exomes 0.00002.
gnomAD v4.1: 23 of 1,440,110 alleles (0.0016%); highest among the groups gnomAD compares: Non-Finnish European, 0.0021%; no homozygotes.

Submissions (2):

Ambry Genetics
Classification: Uncertain significance. Last evaluated: 2025-04-24. Review status: criteria provided, single submitter. Criteria: Ambry Variant Classification Scheme 2023. Collection method: clinical testing. Allele origin: germline.

Labcorp Genetics (formerly Invitae), Labcorp
Classification: Uncertain significance. Last evaluated: 2022-06-08. Review status: criteria provided, single submitter. Criteria: Invitae Variant Classification Sherloc (09022015). Collection method: clinical testing. Allele origin: germline.
Comment: This sequence change replaces glutamic acid, which is acidic and polar, with aspartic acid, which is acidic and polar, at codon 854 of the CCDC88A protein (p.Glu854Asp). This variant is not present in population databases (gnomAD no frequency). This variant has not been reported in the literature in individuals affected with CCDC88A-related conditions. Algorithms developed to predict the effect of missense changes on protein structure and function (SIFT, PolyPhen-2, Align-GVGD) all suggest that this variant is likely to be tolerated. In summary, the available evidence is currently insufficient to determine the role of this variant in disease. Therefore, it has been classified as a Variant of Uncertain Significance.

NM_001365480.1(CCDC88A):c.2562A>C (p.Glu854Asp)

Gene: CCDC88A (coiled-coil domain containing 88A; minus strand). Cytogenetic location: 2p16.1.
Variant type: single nucleotide variant.
Coding change: c.2562A>C on transcript NM_001365480.1 (MANE Select); coding-DNA position 2562, A replaced by C.
Protein change: p.Glu854Asp; replaces glutamic acid 854 with aspartic acid.
Molecular consequence: missense variant.
Genome position (GRCh38, 1-based): chr2:55,334,259, T>G on the plus strand (A>C on the coding strand, the complement: CCDC88A is on the minus strand). VCF-style: chr2-55334259-T-G. GRCh37 (hg19) VCF-style: chr2-55561395-T-G.
Other names: c.2562A>C, p.Glu854Asp (NM_001135597.2, NM_001254943.2, NM_018084.5); c.2562A>C (NM_001135597.1); short protein forms E854D.
Identifiers: ClinVar variation 1521730 (VCV001521730.6), dbSNP rs370518818, ClinGen allele CA47604423.